The following is an entry in ClinVar:

ClinVar aggregate classification (germline): Likely benign. Review status: criteria provided, multiple submitters, no conflicts (2 of 4 stars). 2 submissions from 2 submitters: Likely benign (2). Last evaluated 2024-01-04.

Conditions:
Malignant hyperthermia, susceptibility to, 5 (MHS5). Also called: CACNA1S-Related Malignant Hyperthermia Susceptibility. Identifiers: Orphanet 423, MedGen C1866077, MONDO:0011163, OMIM 601887.
Hypokalemic periodic paralysis, type 1. Also called: Hypokalemic Periodic Paralysis Type 1 (AD); HypoPP. Identifiers: Orphanet 681, MedGen C3714580, MONDO:0042979, OMIM 170400.

Allele frequency attached by ClinVar (database versions not stated): TOPMed 0.00001.
gnomAD v4.1: 27 of 1,614,164 alleles (0.0017%); highest among the groups gnomAD compares: African/African-American, 0.004%; no homozygotes.

Submissions (2):

Labcorp Genetics (formerly Invitae), Labcorp
Classification: Likely benign for Hypokalemic periodic paralysis, type 1; Malignant hyperthermia, susceptibility to, 5. Last evaluated: 2024-01-04. Review status: criteria provided, single submitter. Criteria: Invitae Variant Classification Sherloc (09022015). Collection method: clinical testing. Allele origin: germline.

All of Us Research Program, National Institutes of Health
Classification: Likely benign for Malignant hyperthermia, susceptibility to, 5. Last evaluated: 2023-04-28. Review status: criteria provided, single submitter. Criteria: ACMG Guidelines, 2015. Collection method: clinical testing. Allele origin: germline. Inheritance: Autosomal dominant inheritance. Observed: 1 variant allele, 1 heterozygote.
Comment: This study involves interpretation of variants in research participants for the purpose of population health screening. Participant phenotype was not available at the time of variant classification. Additional details can be found in publication PMID: 35346344, PMCID: PMC8962531

NM_000069.3(CACNA1S):c.744G>A (p.Thr248=)

Gene: CACNA1S (calcium voltage-gated channel subunit alpha1 S; minus strand). Cytogenetic location: 1q32.1.
Variant type: single nucleotide variant.
Coding change: c.744G>A on transcript NM_000069.3 (MANE Select); coding-DNA position 744, G replaced by A.
Protein change: p.Thr248=; no amino-acid change (threonine 248 retained).
Molecular consequence: synonymous variant.
Genome position (GRCh38, 1-based): chr1:201,089,414, C>T on the plus strand (G>A on the coding strand, the complement: CACNA1S is on the minus strand). VCF-style: chr1-201089414-C-T. GRCh37 (hg19) VCF-style: chr1-201058542-C-T.
Identifiers: ClinVar variation 2923736 (VCV002923736.4), dbSNP rs373609219, ClinGen allele CA083983.